The following is an entry in ClinVar:

NM_152564.5(VPS13B):c.5547A>G (p.Ser1849=)

Gene: VPS13B (vacuolar protein sorting 13 homolog B; plus strand). Cytogenetic location: 8q22.2.
Variant type: single nucleotide variant.
Coding change: c.5547A>G on transcript NM_152564.5 (MANE Select); coding-DNA position 5547, A replaced by G.
Protein change: p.Ser1849=; no amino-acid change (serine 1849 retained).
Molecular consequence: synonymous variant.
Genome position (GRCh38, 1-based): chr8:99,642,137, A>G. VCF-style: chr8-99642137-A-G. GRCh37 (hg19) VCF-style: chr8-100654365-A-G.
Other names: c.5622A>G, p.Ser1874= (NM_017890.5); c.5547A>G (NM_152564.4).
Identifiers: ClinVar variation 1587596 (VCV001587596.9), dbSNP rs1379595802, ClinGen allele CA462464391.

ClinVar aggregate classification (germline): Likely benign. Review status: criteria provided, multiple submitters, no conflicts (2 of 4 stars). 2 submissions from 2 submitters: Likely benign (2). Last evaluated 2026-06-27.

Conditions:
Cohen syndrome (COH1). Also called: Cutis verticis gyrata, retinitis pigmentosa, and sensorineural deafness; PEPPER SYNDROME. Identifiers: Orphanet 193, MedGen C0265223, MONDO:0008999, OMIM 216550.
VPS13B-related disorder. Also called: VPS13B-related condition.

Allele frequency attached by ClinVar (database versions not stated): gnomAD exomes below 0.00001; TOPMed 0.00001.
gnomAD v4.1: 1 of 1,614,220 alleles (0.000062%); highest among the groups gnomAD compares: Non-Finnish European, 0.000085%; no homozygotes.

Submissions (2):

PreventionGenetics, part of Exact Sciences
Classification: Likely benign for VPS13B-related condition. Last evaluated: 2026-06-27. Review status: criteria provided, single submitter. Criteria: ACMG Guidelines, 2015. Collection method: clinical testing. Allele origin: germline.
Comment: This variant is classified as likely benign based on ACMG/AMP sequence variant interpretation guidelines (Richards et al. 2015 PMID: 25741868, with internal and published modifications).

Labcorp Genetics (formerly Invitae), Labcorp
Classification: Likely benign for Cohen syndrome. Last evaluated: 2020-11-02. Review status: criteria provided, single submitter. Criteria: Invitae Variant Classification Sherloc (09022015). Collection method: clinical testing. Allele origin: germline.